The following is an entry in ClinVar:

ClinVar aggregate classification (germline): Uncertain significance (1 of 4 stars; one submission).

Conditions:
Idiopathic generalized epilepsy. Also called: Generalised epilepsy; EIG. Identifiers: MedGen C0270850, MONDO:0005579, OMIM 600669.
Epilepsy, idiopathic generalized, susceptibility to, 13. Also called: EPILEPSY, JUVENILE MYOCLONIC, SUSCEPTIBILITY TO, 5. Identifiers: Orphanet 307, Orphanet 64280, MedGen C4013473, MONDO:0012627, OMIM 611136.
Epilepsy, childhood absence 4 (ECA4). Also called: EPILEPSY, CHILDHOOD ABSENCE, SUSCEPTIBILITY TO, 4. Identifiers: Orphanet 307, MedGen C1970160.

Allele frequency attached by ClinVar (database versions not stated): gnomAD exomes below 0.00001; gnomAD 0.00001; TOPMed 0.00001.
gnomAD v4.1: 5 of 1,613,934 alleles (0.00031%); highest among the groups gnomAD compares: East Asian, 0.0022%; no homozygotes.

Submission:

Labcorp Genetics (formerly Invitae), Labcorp
Classification: Uncertain significance for Epilepsy, childhood absence 4; Epilepsy, idiopathic generalized, susceptibility to, 13; Idiopathic generalized epilepsy. Last evaluated: 2023-05-09. Review status: criteria provided, single submitter. Criteria: Invitae Variant Classification Sherloc (09022015). Collection method: clinical testing. Allele origin: germline.
Comment: In summary, the available evidence is currently insufficient to determine the role of this variant in disease. Therefore, it has been classified as a Variant of Uncertain Significance. Advanced modeling of protein sequence and biophysical properties (such as structural, functional, and spatial information, amino acid conservation, physicochemical variation, residue mobility, and thermodynamic stability) has been performed at Invitae for this missense variant, however the output from this modeling did not meet the statistical confidence thresholds required to predict the impact of this variant on GABRA1 protein function. This sequence change replaces leucine, which is neutral and non-polar, with phenylalanine, which is neutral and non-polar, at codon 361 of the GABRA1 protein (p.Leu361Phe). This variant is not present in population databases (gnomAD no frequency). This variant has not been reported in the literature in individuals affected with GABRA1-related conditions.

NM_001127644.2(GABRA1):c.1081C>T (p.Leu361Phe)

Gene: GABRA1 (gamma-aminobutyric acid type A receptor subunit alpha1; plus strand). Cytogenetic location: 5q34.
Variant type: single nucleotide variant.
Coding change: c.1081C>T on transcript NM_001127644.2 (MANE Select); coding-DNA position 1081, C replaced by T.
Protein change: p.Leu361Phe; replaces leucine 361 with phenylalanine.
Molecular consequence: missense variant.
Genome position (GRCh38, 1-based): chr5:161,897,132, C>T. VCF-style: chr5-161897132-C-T. GRCh37 (hg19) VCF-style: chr5-161324138-C-T.
Other names: c.1081C>T, p.Leu361Phe (NM_000806.5, NM_001127643.2, NM_001127645.2 and 1 more transcripts); short protein forms L361F.
Identifiers: ClinVar variation 2928656 (VCV002928656.3), dbSNP rs1167040212, ClinGen allele CA362180608.
Genomic context (GRCh38, chr5:161,897,132, plus strand): 5'-TGTTTACTAAACAAAATGCATTGCTCTTTCTTTCTACAGCCAAAGAAAGTAAAGGATCCT[C>T]TTATTAAGAAAAACAACACTTACGCTCCAACAGCAACCAGCTACACCCCTAATTTGGCCA-3'
Protein context (NP_001121116.1, residues 351-371): PEKPKKVKDP[Leu361Phe]IKKNNTYAPT